The following is an entry in ClinVar:

NM_000548.5(TSC2):c.2276G>A (p.Arg759Lys)

Gene: TSC2 (TSC complex subunit 2; plus strand). Cytogenetic location: 16p13.3.
Variant type: single nucleotide variant.
Coding change: c.2276G>A on transcript NM_000548.5 (MANE Select); coding-DNA position 2276, G replaced by A.
Protein change: p.Arg759Lys; replaces arginine 759 with lysine.
Molecular consequence: missense variant.
Genome position (GRCh38, 1-based): chr16:2,072,904, G>A. VCF-style: chr16-2072904-G-A. GRCh37 (hg19) VCF-style: chr16-2122905-G-A.
Other names: c.2276G>A, p.Arg759Lys (NM_001077183.3, NM_001114382.3, NM_001363528.2 and 6 more transcripts); c.2165G>A, p.Arg722Lys (NM_001318827.2, NM_001406670.1, NM_001406678.1); c.2129G>A, p.Arg710Lys (NM_001318829.2, NM_001406675.1, NM_001406676.1 and 1 more transcripts); c.1676G>A, p.Arg559Lys (NM_001318831.2, NM_001406680.1, NM_001406682.1 and 6 more transcripts); c.2309G>A, p.Arg770Lys (NM_001318832.2); c.2366G>A, p.Arg789Lys (NM_001406667.1, NM_001406668.1); c.2264G>A, p.Arg755Lys (NM_001406671.1, NM_001406673.1); c.2219G>A, p.Arg740Lys (NM_001406677.1); and 3 more; short protein forms R605K, R722K, R770K, R225K, R740K, R311K, R559K, R710K.
Identifiers: ClinVar variation 2095098 (VCV002095098.5), dbSNP rs2543765012, ClinGen allele CA394276559.

ClinVar aggregate classification (germline): Uncertain significance. Review status: criteria provided, multiple submitters, no conflicts (2 of 4 stars). 2 submissions from 2 submitters: Uncertain significance (2). Last evaluated 2026-06-08.

Conditions:
Hereditary cancer-predisposing syndrome. Also called: Neoplastic Syndromes, Hereditary; Tumor predisposition; Hereditary Cancer Syndrome; Hereditary neoplastic syndrome. Identifiers: Orphanet 140162, MedGen C0027672, MeSH D009386, MONDO:0015356.
Tuberous sclerosis 2 (TSC2). Identifiers: Orphanet 805, MedGen C1860707, MONDO:0013199, OMIM 613254.

Submissions (2):

Ambry Genetics
Classification: Uncertain significance for Hereditary cancer-predisposing syndrome. Last evaluated: 2026-06-08. Review status: criteria provided, single submitter. Criteria: Ambry Variant Classification Scheme 2023. Collection method: clinical testing. Allele origin: germline.
Comment: The p.R759K variant (also known as c.2276G>A), located in coding exon 20 of the TSC2 gene, results from a G to A substitution at nucleotide position 2276. The arginine at codon 759 is replaced by lysine, an amino acid with highly similar properties. This amino acid position is conserved. In addition, this alteration is predicted to be deleterious by in silico analysis. Based on the available evidence, the clinical significance of this variant remains unclear.

Labcorp Genetics (formerly Invitae), Labcorp
Classification: Uncertain significance for Tuberous sclerosis 2. Last evaluated: 2024-08-20. Review status: criteria provided, single submitter. Criteria: Invitae Variant Classification Sherloc (09022015). Collection method: clinical testing. Allele origin: germline.
Comment: This sequence change replaces arginine, which is basic and polar, with lysine, which is basic and polar, at codon 759 of the TSC2 protein (p.Arg759Lys). This variant is not present in population databases (gnomAD no frequency). This variant has not been reported in the literature in individuals affected with TSC2-related conditions. ClinVar contains an entry for this variant (Variation ID: 2095098). Invitae Evidence Modeling of protein sequence and biophysical properties (such as structural, functional, and spatial information, amino acid conservation, physicochemical variation, residue mobility, and thermodynamic stability) indicates that this missense variant is not expected to disrupt TSC2 protein function with a negative predictive value of 95%. In summary, the available evidence is currently insufficient to determine the role of this variant in disease. Therefore, it has been classified as a Variant of Uncertain Significance.